The following is an entry in ClinVar:

ClinVar aggregate classification (germline): Conflicting classifications of pathogenicity. Review status: criteria provided, conflicting classifications (1 of 4 stars). 5 submissions from 5 submitters: Likely pathogenic (2); Uncertain significance (2). 1 of the submissions does not count toward it. Last evaluated 2024-05-09.

Conditions:
Inborn genetic diseases. Identifiers: MedGen C0950123, MeSH D030342.
Sulfocysteinuria. Identifiers: MedGen C2931746, HP:0032350.
SUOX-related disorder. Also called: SUOX-related condition.
Sulfite oxidase deficiency. Also called: Isolated sulfite oxidase deficiency. Identifiers: Orphanet 833, Orphanet 99731, MedGen C0268624, MONDO:0010089, OMIM 272300, HP:0003643.

Allele frequency attached by ClinVar (database versions not stated): ExAC 0.00001; gnomAD 0.00001; gnomAD exomes 0.00001; TOPMed 0.00002.
gnomAD v4.1: 18 of 1,613,070 alleles (0.0011%); highest among the groups gnomAD compares: Admixed American, 0.0067%; no homozygotes.

Submissions (5):

Fulgent Genetics
Classification: Likely pathogenic for Sulfite oxidase deficiency. Last evaluated: 2024-05-09. Review status: criteria provided, single submitter. Criteria: ACMG Guidelines, 2015. Collection method: clinical testing. Allele origin: germline.

Women's Health and Genetics/Laboratory Corporation of America, LabCorp
Classification: Likely pathogenic for Sulfocysteinuria. Last evaluated: 2024-05-08. Review status: criteria provided, single submitter. Criteria: LabCorp Variant Classification Summary - May 2015. Collection method: clinical testing. Allele origin: germline.
Comment: Variant summary: SUOX c.352C>T (p.His118Tyr) results in a conservative amino acid change located in the Cytochrome b5-like heme/steroid binding domain (IPR001199) of the encoded protein sequence. Four of five in-silico tools predict a damaging effect of the variant on protein function. The variant allele was found at a frequency of 8e-06 in 250760 control chromosomes. c.352C>T has been reported in the literature as a compound heterozygous genotype in at-least two individuals affected with Sulfite Oxidase Deficiency (example, Brumaru_2017, cited in Zhao_2021, Li_2022). These data indicate that the variant is likely to be associated with disease. At least one publication reports experimental evidence evaluating an impact on protein function. The most pronounced variant effect results in diminished sulfite oxidase activity when expressed in E. coli and no detectable sulfite oxidase activity when overexpressed in HEK SUOX-/- cells (Kaczmarek_2021). The following publications have been ascertained in the context of this evaluation (PMID: 28725568, 34420858, 36303223, 35679912, 34025712). ClinVar contains an entry for this variant (Variation ID: 1811837). Based on the evidence outlined above, the variant was classified as likely pathogenic.

Labcorp Genetics (formerly Invitae), Labcorp
Classification: Uncertain significance for Sulfite oxidase deficiency. Last evaluated: 2022-08-20. Review status: criteria provided, single submitter. Criteria: Invitae Variant Classification Sherloc (09022015). Collection method: clinical testing. Allele origin: germline.
Comment: This sequence change replaces histidine, which is basic and polar, with tyrosine, which is neutral and polar, at codon 118 of the SUOX protein (p.His118Tyr). This variant is present in population databases (rs770389350, gnomAD 0.002%). This missense change has been observed in individual(s) with sulfite oxidase deficiency (PMID: 28725568). This variant is also known as c.181C>T (p.H61Y). Algorithms developed to predict the effect of missense changes on protein structure and function (SIFT, PolyPhen-2, Align-GVGD) all suggest that this variant is likely to be disruptive. In summary, the available evidence is currently insufficient to determine the role of this variant in disease. Therefore, it has been classified as a Variant of Uncertain Significance.

Ambry Genetics
Classification: Uncertain significance for Inborn genetic diseases. Last evaluated: 2021-11-04. Review status: criteria provided, single submitter. Criteria: Ambry Variant Classification Scheme 2023. Collection method: clinical testing. Allele origin: germline.

PreventionGenetics, part of Exact Sciences
Classification: Likely pathogenic for SUOX-related condition. Last evaluated: 2024-02-02. Review status: no assertion criteria provided. Collection method: clinical testing. Allele origin: germline. Not counted in ClinVar's aggregate classification.
Comment: The SUOX c.352C>T variant is predicted to result in the amino acid substitution p.His118Tyr. This variant was reported along with a second rare SUOX variant in an individual with biochemically and enzymatically confirmed sulphite oxidase deficiency (reported as c.181C>T, Brumaru et al. 2017. PubMed ID: 28725568). In a functional study, the p.His118Tyr substitution lead to non-detectable enzyme activity (Kaczmarek et al. 2021. PubMed ID: 34420858). This variant is reported in 0.0018% of alleles in individuals of European (Non-Finnish) descent in gnomAD. This variant is interpreted as likely pathogenic.

Literature cited by the submitters: PubMed 34420858 (cited by Women's Health and Genetics/Laboratory Corporation of America, LabCorp); PubMed 28725568 (cited by Women's Health and Genetics/Laboratory Corporation of America, LabCorp and Labcorp Genetics (formerly Invitae), Labcorp); PubMed 35679912 (cited by Women's Health and Genetics/Laboratory Corporation of America, LabCorp); PubMed 34025712 (cited by Women's Health and Genetics/Laboratory Corporation of America, LabCorp); PubMed 36303223 (cited by Women's Health and Genetics/Laboratory Corporation of America, LabCorp).

NM_001032386.2(SUOX):c.352C>T (p.His118Tyr)

Gene: SUOX (sulfite oxidase; plus strand). Cytogenetic location: 12q13.2.
Variant type: single nucleotide variant.
Coding change: c.352C>T on transcript NM_001032386.2 (MANE Select); coding-DNA position 352, C replaced by T.
Protein change: p.His118Tyr; replaces histidine 118 with tyrosine.
Molecular consequence: missense variant.
Genome position (GRCh38, 1-based): chr12:56,003,741, C>T. VCF-style: chr12-56003741-C-T. GRCh37 (hg19) VCF-style: chr12-56397525-C-T.
Other names: c.352C>T, p.His118Tyr (NM_000456.3, NM_001032387.2); short protein forms H118Y.
Identifiers: ClinVar variation 1811837 (VCV001811837.10), dbSNP rs770389350, ClinGen allele CA6620963.